The following is an entry in ClinVar:

NM_001003931.4(PARP3):c.459C>T (p.Ile153=)

Gene: PARP3 (poly(ADP-ribose) polymerase family member 3; plus strand). Cytogenetic location: 3p21.2.
Variant type: single nucleotide variant.
Coding change: c.459C>T on transcript NM_001003931.4 (MANE Select); coding-DNA position 459, C replaced by T.
Protein change: p.Ile153=; no amino-acid change (isoleucine 153 retained).
Molecular consequence: synonymous variant.
Genome position (GRCh38, 1-based): chr3:51,944,536, C>T. VCF-style: chr3-51944536-C-T. GRCh37 (hg19) VCF-style: chr3-51978552-C-T.
Other names: c.480C>T (NM_001003931.2); c.459C>T, p.Ile153= (NM_001370239.1, NM_001370240.1, NM_005485.6).
Identifiers: ClinVar variation 2653874 (VCV002653874.25), dbSNP rs142065339, ClinGen allele CA2426774.

ClinVar aggregate classification (germline): Likely benign. Review status: criteria provided, multiple submitters, no conflicts (2 of 4 stars). 2 submissions from 2 submitters: Likely benign (2). Last evaluated 2024-11-19.

Allele frequency attached by ClinVar (database versions not stated): 1000 Genomes Project 0.00180; 1000 Genomes Project 30x 0.00219; ESP Exome Variant Server 0.00623.
gnomAD v4.1: 12,297 of 1,614,166 alleles (0.76%); highest among the groups gnomAD compares: Non-Finnish European, 0.93%; 64 homozygotes.

Submissions (2):

Ambry Genetics
Classification: Likely benign. Last evaluated: 2024-11-19. Review status: criteria provided, single submitter. Criteria: Ambry Variant Classification Scheme 2023. Collection method: clinical testing. Allele origin: germline.

CeGaT Center for Human Genetics Tuebingen
Classification: Likely benign. Last evaluated: 2022-06-01. Review status: criteria provided, single submitter. Criteria: CeGaT Center For Human Genetics Tuebingen Variant Classification Criteria Version 2. Collection method: clinical testing. Allele origin: germline. Affected: yes. Observed: 1 variant allele.
Comment: PARP3: BP4, BP7